The following is an entry in ClinVar:

ClinVar aggregate classification (germline): Uncertain significance (1 of 4 stars; one submission).

gnomAD v4.1: 1 of 1,533,202 alleles (0.000065%); highest among the groups gnomAD compares: Non-Finnish European, 0.000088%; no homozygotes.

Submission:

GeneDx
Classification: Uncertain significance. Last evaluated: 2026-03-31. Review status: criteria provided, single submitter. Criteria: GeneDx Variant Classification Process June 2021. Collection method: clinical testing. Allele origin: germline.
Comment: Not observed at significant frequency in large population cohorts (gnomAD); In silico analysis suggests that this missense variant does not alter protein structure/function; Has not been previously published as pathogenic or benign to our knowledge

NM_001145026.2(PTPRQ):c.2396G>A (p.Arg799Lys)

Gene: PTPRQ (protein tyrosine phosphatase receptor type Q; plus strand). Cytogenetic location: 12q21.31.
Variant type: single nucleotide variant.
Coding change: c.2396G>A on transcript NM_001145026.2 (MANE Select); coding-DNA position 2396, G replaced by A.
Protein change: p.Arg799Lys; replaces arginine 799 with lysine.
Molecular consequence: missense variant.
Genome position (GRCh38, 1-based): chr12:80,506,147, G>A. VCF-style: chr12-80506147-G-A. GRCh37 (hg19) VCF-style: chr12-80899926-G-A.
Other names: short protein forms R799K.
Identifiers: ClinVar variation 5017986 (VCV005017986.1).